The following is an entry in ClinVar:

ClinVar aggregate classification (germline): Pathogenic (1 of 4 stars; one submission).

Submission:

Labcorp Genetics (formerly Invitae), Labcorp
Classification: Pathogenic. Last evaluated: 2020-12-04. Review status: criteria provided, single submitter. Criteria: Invitae Variant Classification Sherloc (09022015). Collection method: clinical testing. Allele origin: germline.
Comment: For these reasons, this variant has been classified as Pathogenic. This variant has not been reported in the literature in individuals with CERKL-related conditions. This variant is not present in population databases (ExAC no frequency). This sequence change creates a premature translational stop signal (p.Lys127*) in the CERKL gene. It is expected to result in an absent or disrupted protein product. Loss-of-function variants in CERKL are known to be pathogenic (PMID: 14681825, 24043777).

Literature cited by the submitters: PubMed 14681825; PubMed 24043777.

NM_201548.5(CERKL):c.379A>T (p.Lys127Ter)

Gene: CERKL (CERK like autophagy regulator; minus strand). Cytogenetic location: 2q31.3.
Variant type: single nucleotide variant.
Coding change: c.379A>T on transcript NM_201548.5 (MANE Select); coding-DNA position 379, A replaced by T.
Protein change: p.Lys127Ter; replaces lysine 127 with a stop codon.
Molecular consequence: nonsense. On other transcripts: non-coding transcript variant (2).
Genome position (GRCh38, 1-based): chr2:181,603,939, T>A on the plus strand (A>T on the coding strand, the complement: CERKL is on the minus strand). VCF-style: chr2-181603939-T-A. GRCh37 (hg19) VCF-style: chr2-182468666-T-A.
Other names: c.379A>T, p.Lys127Ter (NM_001030311.3, NM_001030312.3, NM_001030313.3 and 1 more transcripts); short protein forms K127*.
Identifiers: ClinVar variation 1452355 (VCV001452355.6), dbSNP rs2105894081, ClinGen allele CA349730327.
Genomic context (GRCh38, chr2:181,603,939, plus strand): 5'-GGTCTTCACTTAAATTAATAAGATCAAGTGTAGAATTCTTTAGTTTATTTTGTTCCTTTT[T>A]CAAGCAGATGAAGAGTGTGATACCTAATAAAGTACCACTTCTCTGCTGTTTAACAGAACA-3'